The following is an entry in ClinVar:

ClinVar aggregate classification (germline): Uncertain significance (1 of 4 stars; one submission).

Allele frequency attached by ClinVar (database versions not stated): gnomAD exomes 0.00001.
gnomAD v4.1: 11 of 1,597,804 alleles (0.00069%); highest among the groups gnomAD compares: Admixed American, 0.0017%; no homozygotes.

Submission:

Ambry Genetics
Classification: Uncertain significance. Last evaluated: 2022-04-02. Review status: criteria provided, single submitter. Criteria: Ambry Variant Classification Scheme 2023. Collection method: clinical testing. Allele origin: germline.
Comment: The p.R70W variant (also known as c.208C>T), located in coding exon 2 of the PRKDC gene, results from a C to T substitution at nucleotide position 208. The arginine at codon 70 is replaced by tryptophan, an amino acid with dissimilar properties. This amino acid position is conserved. In addition, the in silico prediction for this alteration is inconclusive. Since supporting evidence is limited at this time, the clinical significance of this alteration remains unclear.

NM_006904.7(PRKDC):c.208C>T (p.Arg70Trp)

Gene: PRKDC (protein kinase, DNA-activated, catalytic subunit; minus strand). Cytogenetic location: 8q11.21.
Variant type: single nucleotide variant.
Coding change: c.208C>T on transcript NM_006904.7 (MANE Select); coding-DNA position 208, C replaced by T.
Protein change: p.Arg70Trp; replaces arginine 70 with tryptophan.
Molecular consequence: missense variant.
Genome position (GRCh38, 1-based): chr8:47,957,378, G>A on the plus strand (C>T on the coding strand, the complement: PRKDC is on the minus strand). VCF-style: chr8-47957378-G-A. GRCh37 (hg19) VCF-style: chr8-48869938-G-A.
Other names: c.208C>T, p.Arg70Trp (NM_001081640.2); short protein forms R70W.
Identifiers: ClinVar variation 1785705 (VCV001785705.2), dbSNP rs867340752, ClinGen allele CA176151399.